The following is an entry in ClinVar:

NM_000094.4(COL7A1):c.7694A>G (p.Lys2565Arg)

Gene: COL7A1 (collagen type VII alpha 1 chain; minus strand). Cytogenetic location: 3p21.31.
Variant type: single nucleotide variant.
Coding change: c.7694A>G on transcript NM_000094.4 (MANE Select); coding-DNA position 7694, A replaced by G.
Protein change: p.Lys2565Arg; replaces lysine 2565 with arginine.
Molecular consequence: missense variant.
Genome position (GRCh38, 1-based): chr3:48,568,848, T>C on the plus strand (A>G on the coding strand, the complement: COL7A1 is on the minus strand). VCF-style: chr3-48568848-T-C. GRCh37 (hg19) VCF-style: chr3-48606281-T-C.
Other names: short protein forms K2565R.
Identifiers: ClinVar variation 2080115 (VCV002080115.4), dbSNP rs2530838337, ClinGen allele CA352643360.
Genomic context (GRCh38, chr3:48,568,848, plus strand): 5'-GGTCCCAGGAGTCCACGCAGTCCTGGCAACCCGGCTGAGCCCTTGTCACCAGGCTCTCCC[T>C]TGCTGCCCTGTGGGAGTGACCAGGAGAGGGATTCAGTCAGGACCAGATCAGGCTGGGGGC-3'
Protein context (NP_000085.1, residues 2555-2575): DNGDPGDKGS[Lys2565Arg]GEPGDKGSAG

ClinVar aggregate classification (germline): Uncertain significance (1 of 4 stars; one submission).

Submission:

Labcorp Genetics (formerly Invitae), Labcorp
Classification: Uncertain significance. Last evaluated: 2022-07-11. Review status: criteria provided, single submitter. Criteria: Invitae Variant Classification Sherloc (09022015). Collection method: clinical testing. Allele origin: germline.
Comment: This variant has not been reported in the literature in individuals affected with COL7A1-related conditions. This variant is not present in population databases (gnomAD no frequency). This sequence change replaces lysine, which is basic and polar, with arginine, which is basic and polar, at codon 2565 of the COL7A1 protein (p.Lys2565Arg). Advanced modeling of protein sequence and biophysical properties (such as structural, functional, and spatial information, amino acid conservation, physicochemical variation, residue mobility, and thermodynamic stability) performed at Invitae indicates that this missense variant is not expected to disrupt COL7A1 protein function. In summary, the available evidence is currently insufficient to determine the role of this variant in disease. Therefore, it has been classified as a Variant of Uncertain Significance.